The following is an entry in ClinVar:

NM_057175.5(NAA15):c.2405G>A (p.Cys802Tyr)

Gene: NAA15 (N-alpha-acetyltransferase 15, NatA auxiliary subunit; plus strand). Cytogenetic location: 4q31.1.
Variant type: single nucleotide variant.
Coding change: c.2405G>A on transcript NM_057175.5 (MANE Select); coding-DNA position 2405, G replaced by A.
Protein change: p.Cys802Tyr; replaces cysteine 802 with tyrosine.
Molecular consequence: missense variant.
Genome position (GRCh38, 1-based): chr4:139,387,888, G>A. VCF-style: chr4-139387888-G-A. GRCh37 (hg19) VCF-style: chr4-140309042-G-A.
Other names: c.2402G>A, p.Cys801Tyr (NM_001410842.1); short protein forms C801Y, C802Y.
Identifiers: ClinVar variation 3676351 (VCV003676351.2).

ClinVar aggregate classification (germline): Uncertain significance (1 of 4 stars; one submission).

gnomAD v4.1: 25 of 1,613,464 alleles (0.0015%); highest among the groups gnomAD compares: East Asian, 0.0022%; no homozygotes.

Submission:

Labcorp Genetics (formerly Invitae), Labcorp
Classification: Uncertain significance. Last evaluated: 2024-08-31. Review status: criteria provided, single submitter. Criteria: Invitae Variant Classification Sherloc (09022015). Collection method: clinical testing. Allele origin: germline.
Comment: This sequence change replaces cysteine, which is neutral and slightly polar, with tyrosine, which is neutral and polar, at codon 802 of the NAA15 protein (p.Cys802Tyr). This variant is present in population databases (no rsID available, gnomAD 0.006%). This variant has not been reported in the literature in individuals affected with NAA15-related conditions. An algorithm developed to predict the effect of missense changes on protein structure and function (PolyPhen-2) suggests that this variant is likely to be disruptive. In summary, the available evidence is currently insufficient to determine the role of this variant in disease. Therefore, it has been classified as a Variant of Uncertain Significance.